The following is an entry in ClinVar:

ClinVar aggregate classification (germline): Uncertain significance (1 of 4 stars; one submission).

Conditions:
Alstrom syndrome (ALMS). Identifiers: Orphanet 64, MedGen C0268425, MONDO:0008763, OMIM 203800.

Submission:

Labcorp Genetics (formerly Invitae), Labcorp
Classification: Uncertain significance for Alstrom syndrome. Last evaluated: 2024-04-10. Review status: criteria provided, single submitter. Criteria: Invitae Variant Classification Sherloc (09022015). Collection method: clinical testing. Allele origin: germline.
Comment: This sequence change replaces lysine, which is basic and polar, with asparagine, which is neutral and polar, at codon 1765 of the ALMS1 protein (p.Lys1765Asn). This variant is not present in population databases (gnomAD no frequency). This variant has not been reported in the literature in individuals affected with ALMS1-related conditions. Experimental studies and prediction algorithms are not available or were not evaluated, and the functional significance of this variant is currently unknown. In summary, the available evidence is currently insufficient to determine the role of this variant in disease. Therefore, it has been classified as a Variant of Uncertain Significance.

NM_001378454.1(ALMS1):c.5292G>T (p.Lys1764Asn)

Gene: ALMS1 (ALMS1 centrosome and basal body associated protein; plus strand). Cytogenetic location: 2p13.1.
Variant type: single nucleotide variant.
Coding change: c.5292G>T on transcript NM_001378454.1 (MANE Select); coding-DNA position 5292, G replaced by T.
Protein change: p.Lys1764Asn; replaces lysine 1764 with asparagine.
Molecular consequence: missense variant.
Genome position (GRCh38, 1-based): chr2:73,451,819, G>T. VCF-style: chr2-73451819-G-T. GRCh37 (hg19) VCF-style: chr2-73678946-G-T.
Other names: c.5295G>T, p.Lys1765Asn (NM_015120.4); short protein forms K1765N, K1764N.
Identifiers: ClinVar variation 3649537 (VCV003649537.2).
Genomic context (GRCh38, chr2:73,451,819, plus strand): 5'-AGCTGACCAGAAGACTGGGTTATCTACTGTAACTTCCTCTTTCTATTCACATACAGAGAA[G>T]CCTAATATTTCTTACCAGCAAGAGTTGCCAGATAGTCATCTAACTGAAGAGGCTCTGAAA-3'
Protein context (NP_001365383.1, residues 1754-1774): VTSSFYSHTE[Lys1764Asn]PNISYQQELP